The following is an entry in ClinVar:

ClinVar aggregate classification (germline): Conflicting classifications of pathogenicity. Review status: criteria provided, conflicting classifications (1 of 4 stars). 7 submissions from 6 submitters: Uncertain significance (5); Likely benign (2). Last evaluated 2026-04-06.

Conditions:
GDAP1-related disorder. Also called: GDAP1-related disorders; GDAP1-related condition.
Charcot-Marie-Tooth disease. Also called: Charcot-Marie-Tooth Neuropathy; Charcot-Marie-Tooth Hereditary Neuropathy. Identifiers: Orphanet 166, MedGen C0007959, MONDO:0015626.
Charcot-Marie-Tooth disease, axonal, with vocal cord paresis, autosomal recessive. Also called: CHARCOT-MARIE-TOOTH DISEASE, TYPE 4A, AXONAL FORM; CHARCOT-MARIE-TOOTH NEUROPATHY, AXONAL, WITH VOCAL CORD PARESIS, AUTOSOMAL RECESSIVE; CMT2 WITH VOCAL CORD PARESIS, AUTOSOMAL RECESSIVE. Identifiers: Orphanet 101097, MedGen C1843183, MONDO:0011898, OMIM 607706.
Charcot-Marie-Tooth disease type 4A. Also called: Charcot-Marie-Tooth disease, demyelinating, autosomal recessive, type 4a. Identifiers: Orphanet 99948, MedGen C1859198, MONDO:0008961, OMIM 214400.
Charcot-Marie-Tooth disease recessive intermediate A (CMTRIA). Also called: CHARCOT-MARIE-TOOTH NEUROPATHY, RECESSIVE INTERMEDIATE A. Identifiers: Orphanet 217055, MedGen C1842197, MONDO:0012014, OMIM 608340.

Allele frequency attached by ClinVar (database versions not stated): TOPMed 0.00005; ExAC 0.00009; gnomAD 0.00009; 1000 Genomes Project 30x 0.00016; 1000 Genomes Project 0.00020.
gnomAD v4.1: 181 of 1,312,646 alleles (0.014%); highest among the groups gnomAD compares: Non-Finnish European, 0.019%; no homozygotes.

Submissions (8):

PreventionGenetics, part of Exact Sciences
Classification: Uncertain significance for GDAP1-related condition. Last evaluated: 2026-04-06. Review status: criteria provided, single submitter. Criteria: ACMG Guidelines, 2015. Collection method: clinical testing. Allele origin: germline.
Comment: The GDAP1 c.693A>T variant is not predicted to result in an amino acid change (p.=). This variant is predicted to alter splicing based on available splicing prediction programs (Alamut Visual Plus v1.6.1). However, the use of computer prediction programs is not equivalent to functional evidence. To our knowledge, this variant has not been reported in the literature. This variant is reported in 0.017% of alleles in individuals of European (Non-Finnish) descent in gnomAD. At this time, the clinical significance of this variant is uncertain due to the absence of conclusive functional and genetic evidence.

Labcorp Genetics (formerly Invitae), Labcorp
Classification: Uncertain significance for Charcot-Marie-Tooth disease type 4A. Last evaluated: 2026-02-01. Review status: criteria provided, single submitter. Criteria: Invitae Variant Classification Sherloc (09022015). Collection method: clinical testing. Allele origin: germline.
Comment: This sequence change affects codon 231 of the GDAP1 mRNA. It is a 'silent' change, meaning that it does not change the encoded amino acid sequence of the GDAP1 protein. It affects a nucleotide within the consensus splice site. This variant is present in population databases (rs181157785, gnomAD 0.02%). This variant has not been reported in the literature in individuals affected with GDAP1-related conditions. ClinVar contains an entry for this variant (Variation ID: 379724). Algorithms developed to predict the effect of sequence changes on RNA splicing suggest that this variant is not likely to affect RNA splicing. In summary, the available evidence is currently insufficient to determine the role of this variant in disease. Therefore, it has been classified as a Variant of Uncertain Significance.

Blueprint Genetics
Classification: Uncertain significance. Last evaluated: 2023-11-16. Review status: criteria provided, single submitter. Criteria: ACMG Guidelines, 2015. Collection method: clinical testing. Allele origin: germline.

Illumina Laboratory Services, Illumina
Classification: Uncertain significance for Charcot-Marie-Tooth disease, axonal, with vocal cord paresis, autosomal recessive. Last evaluated: 2018-01-13. Review status: criteria provided, single submitter. Criteria: ICSL Variant Classification Criteria 13 December 2019. Collection method: clinical testing. Allele origin: germline.

Illumina Laboratory Services, Illumina
Classification: Uncertain significance for Charcot-Marie-Tooth disease recessive intermediate A. Last evaluated: 2018-01-13. Review status: criteria provided, single submitter. Criteria: ICSL Variant Classification Criteria 13 December 2019. Collection method: clinical testing. Allele origin: germline.

GeneDx
Classification: Likely benign. Last evaluated: 2015-05-27. Review status: criteria provided, single submitter. Criteria: GeneDx Variant Classification (06012015). Collection method: clinical testing. Allele origin: germline. Affected: yes.
Comment: This variant is considered likely benign or benign based on one or more of the following criteria: it is a conservative change, it occurs at a poorly conserved position in the protein, it is predicted to be benign by multiple in silico algorithms, and/or has population frequency not consistent with disease.

Molecular Genetics Laboratory, London Health Sciences Centre
Classification: Likely benign for Charcot-Marie-Tooth disease. Review status: criteria provided, single submitter. Criteria: ACMG Guidelines, 2015. Collection method: clinical testing. Allele origin: germline. Affected: yes.

Dr. Peter K. Rogan Lab, Western University
No classification provided (evidence only). Condition: Lung cancer. Review status: no classification provided. Collection method: in vitro. Allele origin: not applicable. Functional consequence: retained intron. Not counted in ClinVar's aggregate classification.

NM_018972.4(GDAP1):c.693A>T (p.Pro231=)

Gene: GDAP1 (ganglioside induced differentiation associated protein 1; plus strand). Cytogenetic location: 8q21.11.
Variant type: single nucleotide variant.
Coding change: c.693A>T on transcript NM_018972.4 (MANE Select); coding-DNA position 693, A replaced by T.
Protein change: p.Pro231=; no amino-acid change (proline 231 retained).
Molecular consequence: synonymous variant.
Genome position (GRCh38, 1-based): chr8:74,363,052, A>T. VCF-style: chr8-74363052-A-T. GRCh37 (hg19) VCF-style: chr8-75275287-A-T.
Other names: c.489A>T, p.Pro163= (NM_001040875.4); c.366A>T, p.Pro122= (NM_001362929.2, NM_001362932.2); c.519A>T, p.Pro173= (NM_001362930.2); c.693A>T, p.Pro231= (NM_001362931.2).
Identifiers: ClinVar variation 379724 (VCV000379724.17), dbSNP rs181157785, ClinGen allele CA4785166.